The following is an entry in ClinVar:

ClinVar aggregate classification (germline): Uncertain significance (1 of 4 stars; one submission).

Submission:

GeneDx
Classification: Uncertain significance. Last evaluated: 2021-05-05. Review status: criteria provided, single submitter. Criteria: GeneDx Variant Classification Process June 2021. Collection method: clinical testing. Allele origin: germline. Affected: yes.
Comment: Frameshift variant predicted to result in protein truncation as the last 18 amino acids are lost and replaced with seven incorrect amino acids, although loss-of-function variants have not been reported downstream of this position in the protein; Has not been previously published as pathogenic or benign to our knowledge

NM_002334.4(LRP4):c.5662_5663del (p.Leu1888fs)

Genes: LRP4 (LDL receptor related protein 4; minus strand), LRP4-AS1 (LRP4 antisense RNA 1; plus strand). Cytogenetic location: 11p11.2.
Variant type: Microsatellite.
Coding change: c.5662_5663del on transcript NM_002334.4 (MANE Select); coding-DNA positions 5662 to 5663, 2 bases deleted (CT; older notation c.5662_5663delCT).
Protein change: p.Leu1888fs; shifts the reading frame from leucine 1888.
Molecular consequence: frameshift variant.
Genome position (GRCh38, 1-based): chr11:46,859,038-46,859,039, AG deleted on the plus strand (CT on the coding strand, the reverse complement: LRP4 is on the minus strand); deleting any 2 consecutive bases within chr11:46,859,038-46,859,043 gives the same sequence; the c. name uses the placement nearest the transcript's 3' end. VCF-style (leftmost placement, unchanged base first): chr11-46859037-CAG-C. GRCh37 (hg19) VCF-style: chr11-46880588-CAG-C.
Other names: short protein forms L1888fs.
Identifiers: ClinVar variation 1307416 (VCV001307416.2), dbSNP rs770837962, ClinGen allele CA5968968.